The following is an entry in ClinVar:

ClinVar aggregate classification (germline): Uncertain significance. Review status: criteria provided, multiple submitters, no conflicts (2 of 4 stars). 2 submissions from 2 submitters: Uncertain significance (2). Last evaluated 2026-01-05.

Allele frequency attached by ClinVar (database versions not stated): gnomAD exomes below 0.00001; gnomAD 0.00001; TOPMed 0.00003.
gnomAD v4.1: 3 of 1,613,462 alleles (0.00019%); highest among the groups gnomAD compares: Admixed American, 0.005%; no homozygotes.

Submissions (2):

Labcorp Genetics (formerly Invitae), Labcorp
Classification: Uncertain significance. Last evaluated: 2026-01-05. Review status: criteria provided, single submitter. Criteria: Invitae Variant Classification Sherloc (09022015). Collection method: clinical testing. Allele origin: germline.
Comment: This sequence change replaces alanine, which is neutral and non-polar, with threonine, which is neutral and polar, at codon 490 of the ADGRA3 protein (p.Ala490Thr). This variant is not present in population databases (gnomAD no frequency). This variant has not been reported in the literature in individuals affected with ADGRA3-related conditions. ClinVar contains an entry for this variant (Variation ID: 953116). An algorithm developed to predict the effect of missense changes on protein structure and function (PolyPhen-2) suggests that this variant is likely to be disruptive. In summary, the available evidence is currently insufficient to determine the role of this variant in disease. Therefore, it has been classified as a Variant of Uncertain Significance.

Ambry Genetics
Classification: Uncertain significance. Last evaluated: 2025-01-21. Review status: criteria provided, single submitter. Criteria: Ambry Variant Classification Scheme 2023. Collection method: clinical testing. Allele origin: germline.

NM_145290.4(ADGRA3):c.1468G>A (p.Ala490Thr)

Gene: ADGRA3 (adhesion G protein-coupled receptor A3; minus strand). Cytogenetic location: 4p15.2.
Variant type: single nucleotide variant.
Coding change: c.1468G>A on transcript NM_145290.4 (MANE Select); coding-DNA position 1468, G replaced by A.
Protein change: p.Ala490Thr; replaces alanine 490 with threonine.
Molecular consequence: missense variant.
Genome position (GRCh38, 1-based): chr4:22,424,328, C>T on the plus strand (G>A on the coding strand, the complement: ADGRA3 is on the minus strand). VCF-style: chr4-22424328-C-T. GRCh37 (hg19) VCF-style: chr4-22425951-C-T.
Other names: c.1468G>A (NM_145290.2); short protein forms A490T.
Identifiers: ClinVar variation 953116 (VCV000953116.10), dbSNP rs1715842817, ClinGen allele CA356481598.